The following is an entry in ClinVar:

NM_020632.3(ATP6V0A4):c.418-1G>A

Gene: ATP6V0A4 (ATPase H+ transporting V0 subunit a4; minus strand). Cytogenetic location: 7q34.
Variant type: single nucleotide variant.
Coding change: c.418-1G>A on transcript NM_020632.3 (MANE Select); the canonical splice acceptor site of the intron before coding-DNA position 418, G replaced by A.
Molecular consequence: splice acceptor variant.
Genome position (GRCh38, 1-based): chr7:138,762,435, C>T on the plus strand (G>A on the coding strand, the complement: ATP6V0A4 is on the minus strand). VCF-style: chr7-138762435-C-T. GRCh37 (hg19) VCF-style: chr7-138447180-C-T.
Other names: IVS6, G-A, -1; c.418-1G>A (NM_130840.3, NM_130841.3).
Identifiers: ClinVar variation 5155 (VCV000005155.7), dbSNP rs587776617, ClinGen allele CA117294.

ClinVar aggregate classification (germline): Pathogenic. Review status: criteria provided, multiple submitters, no conflicts (2 of 4 stars). 3 submissions from 3 submitters: Pathogenic (2). 1 of the submissions does not count toward it. Last evaluated 2026-10-14.

Conditions:
Renal tubulopathies.
Renal tubular acidosis, distal, 3, with or without sensorineural hearing loss (DRTA3). Identifiers: MedGen C5399980, MONDO:0011268, OMIM 602722.

gnomAD v4.1: 1 of 1,614,088 alleles (0.000062%); no homozygotes.

Submissions (3):

MVZ Medizinische Genetik Mainz
Classification: Pathogenic for Renal tubular acidosis, distal, 3, with or without sensorineural hearing loss. Last evaluated: 2026-10-14. Review status: criteria provided, single submitter. Criteria: UK Practice Guidelines For Variant Classification V4 01 2020. Collection method: clinical testing. Allele origin: germline. Inheritance: Autosomal recessive inheritance. Affected: yes. Observed: 1 variant allele.
Comment: ACMG Criteria: PVS1,PM3,PM2_SUP,PP4

Genetics Laboratory, Great Ormond Street Hospital NHS Foundation Trust, North Thames Genomic Laboratory Hub
Classification: Pathogenic for Renal tubulopathies. Last evaluated: 2026-08-11. Review status: criteria provided, single submitter. Criteria: ACGS Best Practice Guidelines for Variant Classification in Rare Disease 2024 v1.2. Collection method: clinical testing. Allele origin: germline. Affected: yes.
Comment: PM2_moderate, PVS1_very-strong, PM3_moderate

OMIM
Classification: Pathogenic for RENAL TUBULAR ACIDOSIS, DISTAL, 3, WITHOUT SENSORINEURAL HEARING LOSS. Last evaluated: 2000-09-01. Review status: no assertion criteria provided. Collection method: literature only. Allele origin: germline. Not counted in ClinVar's aggregate classification.

Literature cited by the submitters: PubMed 10973252 (cited by OMIM).